The following is an entry in ClinVar:

NM_001267550.2(TTN):c.91565-1del

Genes: TTN (titin; minus strand), TTN-AS1 (TTN antisense RNA 1; plus strand). Cytogenetic location: 2q31.2.
Variant type: Deletion.
Coding change: c.91565-1del on transcript NM_001267550.2 (MANE Select); the canonical splice acceptor site of the intron before coding-DNA position 91565, one base deleted (G; older notation c.91565-1delG).
Molecular consequence: splice acceptor variant.
Genome position (GRCh38, 1-based): chr2:178,550,274, C deleted on the plus strand (G on the coding strand, the reverse complement: TTN is on the minus strand). VCF-style (leftmost placement, unchanged base first): chr2-178550273-AC-A. GRCh37 (hg19) VCF-style: chr2-179415000-AC-A.
Other names: c.64370-1delG (NM_003319.4); c.64370-1del (NM_003319.4); c.64946-1del (NM_133437.4); c.64745-1del (NM_133432.3); c.83861-1del (NM_133378.4); c.86642-1del (NM_001256850.1).
Identifiers: ClinVar variation 4615374 (VCV004615374.1).

ClinVar aggregate classification (germline): Uncertain significance (1 of 4 stars; one submission).

Conditions:
Cardiovascular phenotype. Identifiers: MedGen CN230736.

Submission:

Ambry Genetics
Classification: Uncertain significance for Cardiovascular phenotype. Last evaluated: 2025-11-25. Review status: criteria provided, single submitter. Criteria: Ambry Variant Classification Scheme 2023. Collection method: clinical testing. Allele origin: germline.
Comment: The c.64370-1delG intronic variant is located one nucleotide before coding exon 164 of the TTN gene. This variant results from a deletion of one nucleotide at position c.64370-1. This exon is located in the A-band region of the N2-B isoform of the titin protein and is constitutively expressed in TTN transcripts (percent spliced in or PSI 100%). This nucleotide position is highly conserved in available vertebrate species. In silico splice site analysis predicts that this alteration will weaken the native splice acceptor site and will result in the creation or strengthening of a novel splice acceptor site. This variant disrupts the canonical splice site and is expected to cause aberrant splicing. However, although direct evidence is unavailable, this alteration is predicted to result in an in-frame transcript that is not expected to trigger nonsense-mediated mRNA decay. The exact functional effect of the predicted splice impact is unknown. Based on the available evidence, the clinical significance of this variant remains unclear.